The following is an entry in ClinVar:

NM_000482.4(APOA4):c.848A>C (p.Glu283Ala)

Gene: APOA4 (apolipoprotein A4; minus strand). Cytogenetic location: 11q23.3.
Variant type: single nucleotide variant.
Coding change: c.848A>C on transcript NM_000482.4 (MANE Select); coding-DNA position 848, A replaced by C.
Protein change: p.Glu283Ala; replaces glutamic acid 283 with alanine.
Molecular consequence: missense variant.
Genome position (GRCh38, 1-based): chr11:116,821,210, T>G on the plus strand (A>C on the coding strand, the complement: APOA4 is on the minus strand). VCF-style: chr11-116821210-T-G. GRCh37 (hg19) VCF-style: chr11-116691926-T-G.
Other names: short protein forms E283A.
Identifiers: ClinVar variation 2367856 (VCV002367856.3), dbSNP rs202147415, ClinGen allele CA6289293.
Genomic context (GRCh38, chr11:116,821,210, plus strand): 5'-AACTCCTCCACCTGCTGGTCCAGGTGCCCACCCAGCTCTGCCAGTGACTTCTGCAGCCCC[T>G]CGGTGTTGCCCCTCAGGTTGCCACGCACGTCCTCGGCCAAGGGCGCCAGCCTCTGCCGCA-3'
Protein context (NP_000473.2, residues 273-293): DVRGNLRGNT[Glu283Ala]GLQKSLAELG

ClinVar aggregate classification (germline): Uncertain significance. Review status: criteria provided, multiple submitters, no conflicts (2 of 4 stars). 2 submissions from 2 submitters: Uncertain significance (2). Last evaluated 2025-10-01.

Allele frequency attached by ClinVar (database versions not stated): gnomAD exomes 0.00007; ExAC 0.00008; ESP Exome Variant Server 0.00008; gnomAD 0.00008; TOPMed 0.00012; 1000 Genomes Project 0.00020; 1000 Genomes Project 30x 0.00031.
gnomAD v4.1: 109 of 1,613,252 alleles (0.0068%); highest among the groups gnomAD compares: Admixed American, 0.013%; no homozygotes.

Submissions (2):

Labcorp Genetics (formerly Invitae), Labcorp
Classification: Uncertain significance. Last evaluated: 2025-10-01. Review status: criteria provided, single submitter. Criteria: Invitae Variant Classification Sherloc (09022015). Collection method: clinical testing. Allele origin: germline.
Comment: This sequence change replaces glutamic acid, which is acidic and polar, with alanine, which is neutral and non-polar, at codon 283 of the APOA4 protein (p.Glu283Ala). The frequency data for this variant in the population databases is considered unreliable, as metrics indicate poor data quality at this position in the gnomAD database. This variant has not been reported in the literature in individuals affected with APOA4-related conditions. ClinVar contains an entry for this variant (Variation ID: 2367856). Invitae Evidence Modeling of protein sequence and biophysical properties (such as structural, functional, and spatial information, amino acid conservation, physicochemical variation, residue mobility, and thermodynamic stability) indicates that this missense variant is not expected to disrupt APOA4 protein function with a negative predictive value of 80%. In summary, the available evidence is currently insufficient to determine the role of this variant in disease. Therefore, it has been classified as a Variant of Uncertain Significance.

Ambry Genetics
Classification: Uncertain significance. Last evaluated: 2024-03-15. Review status: criteria provided, single submitter. Criteria: Ambry Variant Classification Scheme 2023. Collection method: clinical testing. Allele origin: germline.